The following is an entry in ClinVar:

NM_015346.4(ZFYVE26):c.5495G>A (p.Arg1832His)

Gene: ZFYVE26 (zinc finger FYVE-type containing 26; minus strand). Cytogenetic location: 14q24.1.
Variant type: single nucleotide variant.
Coding change: c.5495G>A on transcript NM_015346.4 (MANE Select); coding-DNA position 5495, G replaced by A.
Protein change: p.Arg1832His; replaces arginine 1832 with histidine.
Molecular consequence: missense variant.
Genome position (GRCh38, 1-based): chr14:67,769,720, C>T on the plus strand (G>A on the coding strand, the complement: ZFYVE26 is on the minus strand). VCF-style: chr14-67769720-C-T. GRCh37 (hg19) VCF-style: chr14-68236437-C-T.
Other names: c.5495G>A (NM_015346.3); short protein forms R1832H.
Identifiers: ClinVar variation 1985957 (VCV001985957.2), dbSNP rs143078443, ClinGen allele CA7239476.

ClinVar aggregate classification (germline): Uncertain significance. Review status: criteria provided, multiple submitters, no conflicts (2 of 4 stars). 2 submissions from 2 submitters: Uncertain significance (2). Last evaluated 2025-02-23.

Conditions:
Inborn genetic diseases. Identifiers: MedGen C0950123, MeSH D030342.
Spastic paraplegia. Identifiers: MedGen C0037772, HP:0001258.

Allele frequency attached by ClinVar (database versions not stated): gnomAD exomes 0.00001; ExAC 0.00004; TOPMed 0.00004; gnomAD 0.00006; ESP Exome Variant Server 0.00008; 1000 Genomes Project 30x 0.00016; 1000 Genomes Project 0.00020.
gnomAD v4.1: 29 of 1,613,996 alleles (0.0018%); highest among the groups gnomAD compares: African/African-American, 0.013%; no homozygotes.

Submissions (2):

Ambry Genetics
Classification: Uncertain significance for Inborn genetic diseases. Last evaluated: 2025-02-23. Review status: criteria provided, single submitter. Criteria: Ambry Variant Classification Scheme 2023. Collection method: clinical testing. Allele origin: germline.

Labcorp Genetics (formerly Invitae), Labcorp
Classification: Uncertain significance for Spastic paraplegia. Last evaluated: 2021-08-13. Review status: criteria provided, single submitter. Criteria: Invitae Variant Classification Sherloc (09022015). Collection method: clinical testing. Allele origin: germline.
Comment: This sequence change replaces arginine with histidine at codon 1832 of the ZFYVE26 protein (p.Arg1832His). The arginine residue is highly conserved and there is a small physicochemical difference between arginine and histidine. This variant is present in population databases (rs143078443, ExAC 0.03%). This variant has not been reported in the literature in individuals affected with ZFYVE26-related conditions. Algorithms developed to predict the effect of missense changes on protein structure and function are either unavailable or do not agree on the potential impact of this missense change (SIFT: "Deleterious"; PolyPhen-2: "Probably Damaging"; Align-GVGD: "Class C0"). In summary, the available evidence is currently insufficient to determine the role of this variant in disease. Therefore, it has been classified as a Variant of Uncertain Significance.